The following continues an entry in ClinVar:

NM_001048174.2(MUTYH):c.305-1G>C

Gene: MUTYH. ClinVar aggregate classification (germline): Pathogenic/Likely pathogenic. Pathogenic (13); Likely pathogenic (1).

Submissions 9 to 16 of 16:

Sema4
Classification: Pathogenic for Hereditary cancer-predisposing syndrome. Last evaluated: 2022-01-10. Review status: criteria provided, single submitter. Criteria: Sema4 Curation Guidelines. Collection method: curation. Allele origin: germline.
Comment: The MUTYH c.389-1G>C variant has been reported as compound heterozygous in at least 5 individuals with colorectal polyposis and colorectal cancer (PMID: 15366000, 23561487, 19793053). It is also known as c.347-1G>C in the literature. This variant is predicted to abolish the canonical splice site leading to an abnormal or absent protein. This variant is not reported in the population database Genome Aggregation Database (PMID: 32461654) and has been reported in ClinVar (Variant ID: 234229). Based on the current evidence available, this variant is interpreted as pathogenic.

Division of Medical Genetics, University of Washington
Classification: Pathogenic for Familial adenomatous polyposis 2. Last evaluated: 2019-08-09. Review status: criteria provided, single submitter. Criteria: ACMG Guidelines, 2015. Collection method: clinical testing. Allele origin: germline. Affected: no. Study: CSER_CHARM.
Comment: The c.389-1G>C variant is predicted to lead to either nonsense-mediated mRNA decay or an abnormal protein product by destroying a canonical splice acceptor site. Loss-of-function variants in MUTYH are known to be pathogenic (Ali 2008, Nielsen 2011). The c.389-1G>C variant is not present in the Broad Institute gnomAD Browser. This variant has been reported in multiple individuals with MAP who are either homozygous or compound heterozygous for a second MUTYH pathogenic variant (Isidro 2004, Olschwang 2007, Torrezan 2013). Thus, this variant is interpreted as pathogenic.

Department of Pathology and Laboratory Medicine, Sinai Health System
Classification: Pathogenic for Familial adenomatous polyposis 2. Last evaluated: 2019-04-01. Review status: criteria provided, single submitter. Criteria: ACMG Guidelines, 2015. Collection method: research. Allele origin: germline.

Fulgent Genetics
Classification: Pathogenic for Pilomatrixoma; Familial adenomatous polyposis 2; Gastric cancer. Last evaluated: 2018-10-31. Review status: criteria provided, single submitter. Criteria: ACMG Guidelines, 2015. Collection method: clinical testing. Allele origin: unknown.

Mendelics
Classification: Pathogenic for MYH-associated polyposis. Last evaluated: 2018-07-02. Review status: criteria provided, single submitter. Criteria: Mendelics Assertion Criteria 2017. Collection method: clinical testing. Allele origin: unknown.

Women's Health and Genetics/Laboratory Corporation of America, LabCorp
Classification: Pathogenic for Familial adenomatous polyposis 2. Last evaluated: 2016-10-28. Review status: criteria provided, single submitter. Criteria: LabCorp Variant Classification Summary - May 2015. Collection method: clinical testing. Allele origin: germline.
Comment: Variant summary: The MUTYH c.389-1G>C variant involves the alteration of a conserved intronic nucleotide. One in silico tool predicts a damaging outcome for this variant. 5/5 splice prediction tools predict that this variant abolishes the 3' splicing acceptor site in intron 4. This variant is absent in 121386 control chromosomes, however, has been reported in numerous MAP patients. In addition, multiple clinical diagnostic laboratories/reputable databases classified this variant as pathogenic. Taken together, this variant is classified as pathogenic.

Counsyl
Classification: Pathogenic for Familial adenomatous polyposis 2. Last evaluated: 2016-02-26. Review status: no assertion criteria provided. Collection method: clinical testing. Allele origin: unknown. Not counted in ClinVar's aggregate classification.

Department of Pathology and Laboratory Medicine, Sinai Health System
Classification: Pathogenic for Carcinoma of colon. Review status: no assertion criteria provided. Collection method: clinical testing. Allele origin: unknown. Affected: yes. Study: The Canadian Open Genetics Repository (COGR). Not counted in ClinVar's aggregate classification.
Comment: The c.389-1G>C variant was identified in 3 of 152 proband chromosomes (frequency: 0.020) from Portuguese and Brazilian individuals or families with MAP/AFAP/FAP (Isidro 2004, Torrezan 2013); however, control chromosomes were not evaluated in these studies. The c.389-1G>C variant was not identified in dbSNP, NHLBI Exome Sequencing Project (Exome Variant Server), Exome Aggregation Consortium (ExAC), database MutDB, â€šÃ„ÃºZhejiang Colon Cancer Databaseâ€šÃ„Ã¹, the ClinVar database, GeneInsight VariantWire database, and COSMIC. The variant was identified in UMD (12x as a Causal variant), with co-occurring pathogenic MUTYH variants (including: c.494A>G and c.1145G>A). The c.389-1G>C variant is predicted to cause abnormal splicing because the nucleotide substitution occurs in the invariant region of the splice consensus sequence and this variant is the type of which could be expected to cause the disorder. In addition, 5 of 5 in silico or computational prediction software programs (SpliceSiteFinder, MaxEntScan, NNSPLICE, GeneSplicer, HumanSpliceFinder) predict a greater than 10% difference in splicing. In summary, based on the above information, this variant is classified as pathogenic.

Literature cited by the submitters: PubMed 15366000 (cited by 9 submitters); PubMed 23561487 (cited by 9 submitters); PubMed 17949294 (cited by 5 submitters); PubMed 19793053 (cited by 6 submitters); PubMed 12853198 (cited by Color Diagnostics, LLC DBA Color Health and All of Us Research Program, National Institutes of Health); PubMed 19032956 (cited by 3 submitters); PubMed 19732775 (cited by 3 submitters); PubMed 34326862 (cited by Quest Diagnostics Nichols Institute San Juan Capistrano); PubMed 35534704 (cited by Quest Diagnostics Nichols Institute San Juan Capistrano); PubMed 35264596 (cited by Quest Diagnostics Nichols Institute San Juan Capistrano); PubMed 33606809 (cited by Quest Diagnostics Nichols Institute San Juan Capistrano).